The following is an entry in ClinVar:

ClinVar aggregate classification (germline): Pathogenic. Review status: criteria provided, multiple submitters, no conflicts (2 of 4 stars). 2 submissions from 2 submitters: Pathogenic (2). Last evaluated 2026-07-02.

Conditions:
Usher syndrome type 1 (USH1). Also called: RETINITIS PIGMENTOSA AND CONGENITAL DEAFNESS. Identifiers: Orphanet 231169, Orphanet 886, MedGen C1568247, MONDO:0010168, OMIM 276900.

Submissions (2):

Myriad Genetics, Inc.
Classification: Pathogenic for Usher syndrome type 1. Last evaluated: 2026-07-02. Review status: criteria provided, single submitter. Criteria: Myriad Autosomal Dominant, Autosomal Recessive and X-Linked Classification Criteria (2023). Collection method: clinical testing. Allele origin: unknown.
Comment: NM_000260.3(MYO7A):c.6114_6115delGG(L2040Dfs*35) is a frameshift variant classified as pathogenic in the context of MYO7A-related disorders. L2040Dfs*35 has not been observed in cases with relevant disease. Relevant functional assessments of this variant are not available in the literature. L2040Dfs*35 has not been observed in referenced population frequency databases. In summary, NM_000260.3(MYO7A):c.6114_6115delGG(L2040Dfs*35) is a frameshift variant in a gene where loss of function is a known mechanism of disease and is predicted to disrupt protein function. Please note: this variant was assessed in the context of healthy population screening.

Labcorp Genetics (formerly Invitae), Labcorp
Classification: Pathogenic. Last evaluated: 2023-03-04. Review status: criteria provided, single submitter. Criteria: Invitae Variant Classification Sherloc (09022015). Collection method: clinical testing. Allele origin: germline.
Comment: For these reasons, this variant has been classified as Pathogenic. This variant has not been reported in the literature in individuals affected with MYO7A-related conditions. This variant is not present in population databases (gnomAD no frequency). This sequence change creates a premature translational stop signal (p.Leu2040Aspfs*35) in the MYO7A gene. It is expected to result in an absent or disrupted protein product. Loss-of-function variants in MYO7A are known to be pathogenic (PMID: 8900236, 25404053).

Literature cited by the submitters: PubMed 8900236 (cited by Labcorp Genetics (formerly Invitae), Labcorp); PubMed 25404053 (cited by Labcorp Genetics (formerly Invitae), Labcorp).

NM_000260.4(MYO7A):c.6114_6115del (p.Leu2040fs)

Gene: MYO7A (myosin VIIA; plus strand). Cytogenetic location: 11q13.5.
Variant type: Deletion.
Coding change: c.6114_6115del on transcript NM_000260.4 (MANE Select); coding-DNA positions 6114 to 6115, 2 bases deleted (GG; older notation c.6114_6115delGG).
Protein change: p.Leu2040fs; shifts the reading frame from leucine 2040.
Molecular consequence: frameshift variant.
Genome position (GRCh38, 1-based): chr11:77,211,214-77,211,215, GG deleted; deleting any 2 consecutive bases within chr11:77,211,211-77,211,215 gives the same sequence; the c. name uses the placement nearest the transcript's 3' end. VCF-style (leftmost placement, unchanged base first): chr11-77211210-TGG-T. GRCh37 (hg19) VCF-style: chr11-76922255-TGG-T.
Other names: c.6000_6001del, p.Leu2002fs (NM_001127180.2); c.5967_5968del, p.Leu1991fs (NM_001369365.1); short protein forms L2002fs, L2040fs, L1991fs.
Identifiers: ClinVar variation 2959846 (VCV002959846.4), dbSNP rs2497799402, ClinGen allele CA2574931907.